The following is an entry in ClinVar:

NM_001370259.2(MEN1):c.1033G>T (p.Ala345Ser)

Gene: MEN1 (menin 1; minus strand). Cytogenetic location: 11q13.1.
Variant type: single nucleotide variant.
Coding change: c.1033G>T on transcript NM_001370259.2 (MANE Select); coding-DNA position 1033, G replaced by T.
Protein change: p.Ala345Ser; replaces alanine 345 with serine.
Molecular consequence: missense variant.
Genome position (GRCh38, 1-based): chr11:64,806,248, C>A on the plus strand (G>T on the coding strand, the complement: MEN1 is on the minus strand). VCF-style: chr11-64806248-C-A. GRCh37 (hg19) VCF-style: chr11-64573720-C-A.
Other names: c.1033G>T, p.Ala345Ser (NM_001407144.1, NM_001407146.1, NM_001407147.1 and 7 more transcripts); c.1048G>T, p.Ala350Ser (NM_001407145.1, NM_001407150.1, NM_000244.4 and 5 more transcripts); c.928G>T, p.Ala310Ser (NM_001407148.1, NM_001407149.1, NM_001407151.1 and 2 more transcripts); short protein forms A350S, A310S, A345S.
Identifiers: ClinVar variation 1771946 (VCV001771946.6), dbSNP rs1941714762, ClinGen allele CA381183205.
Genomic context (GRCh38, chr11:64,806,248, plus strand): 5'-GGGAAGAAAGGACAGGCTGCAGGCCCTAGTAGGGGGATCCTCACTCCTGGATGACAGTGG[C>A]CGTGTCCGCCCAGGCCTGCAGGGCTTCCCGCACATTGCGGTTGCGACAGTGGTAGCCAGC-3'
Protein context (NP_001357188.2, residues 335-355): REALQAWADT[Ala345Ser]TVIQDYNYCR

ClinVar aggregate classification (germline): Uncertain significance. Review status: criteria provided, multiple submitters, no conflicts (2 of 4 stars). 3 submissions from 3 submitters: Uncertain significance (3). Last evaluated 2024-02-05.

Conditions:
Hereditary cancer-predisposing syndrome. Also called: Tumor predisposition; Neoplastic Syndromes, Hereditary; Hereditary Cancer Syndrome; Hereditary neoplastic syndrome. Identifiers: Orphanet 140162, MedGen C0027672, MeSH D009386, MONDO:0015356.
Multiple endocrine neoplasia, type 1 (MEN1). Also called: MEN I; WERMER SYNDROME; Endocrine adenomatosis multiple; MEN 1; MEA I. Identifiers: Orphanet 652, MedGen C0025267, MeSH D018761, MONDO:0007540, OMIM 131100.

Allele frequency attached by ClinVar (database versions not stated): TOPMed below 0.00001.

Submissions (3):

All of Us Research Program, National Institutes of Health
Classification: Uncertain significance for Multiple endocrine neoplasia, type 1. Last evaluated: 2024-02-05. Review status: criteria provided, single submitter. Criteria: ACMG Guidelines, 2015. Collection method: clinical testing. Allele origin: germline. Inheritance: Autosomal dominant inheritance. Observed: 1 variant allele, 1 heterozygote.
Comment: This missense variant replaces alanine with serine at codon 345 of the MEN1 protein. Computational prediction is inconclusive regarding the impact of this variant on protein structure and function (internally defined REVEL score threshold 0.5 < inconclusive < 0.7, PMID: 27666373). To our knowledge, functional studies have not been reported for this variant. This variant has not been reported in individuals affected with MEN1-related disorders in the literature. This variant has not been identified in the general population by the Genome Aggregation Database (gnomAD). The available evidence is insufficient to determine the role of this variant in disease conclusively. Therefore, this variant is classified as a Variant of Uncertain Significance.

This study involves interpretation of variants in research participants for the purpose of population health screening. Participant phenotype was not available at the time of variant classification. Additional details can be found in publication PMID: 35346344, PMCID: PMC8962531

Labcorp Genetics (formerly Invitae), Labcorp
Classification: Uncertain significance for Multiple endocrine neoplasia, type 1. Last evaluated: 2023-12-16. Review status: criteria provided, single submitter. Criteria: Invitae Variant Classification Sherloc (09022015). Collection method: clinical testing. Allele origin: germline.
Comment: This sequence change replaces alanine, which is neutral and non-polar, with serine, which is neutral and polar, at codon 345 of the MEN1 protein (p.Ala345Ser). This variant is not present in population databases (gnomAD no frequency). This variant has not been reported in the literature in individuals affected with MEN1-related conditions. ClinVar contains an entry for this variant (Variation ID: 1771946). Advanced modeling of protein sequence and biophysical properties (such as structural, functional, and spatial information, amino acid conservation, physicochemical variation, residue mobility, and thermodynamic stability) has been performed at Invitae for this missense variant, however the output from this modeling did not meet the statistical confidence thresholds required to predict the impact of this variant on MEN1 protein function. In summary, the available evidence is currently insufficient to determine the role of this variant in disease. Therefore, it has been classified as a Variant of Uncertain Significance.

Ambry Genetics
Classification: Uncertain significance for Hereditary cancer-predisposing syndrome. Last evaluated: 2022-09-28. Review status: criteria provided, single submitter. Criteria: Ambry Variant Classification Scheme 2023. Collection method: clinical testing. Allele origin: germline.
Comment: The p.A345S variant (also known as c.1033G>T), located in coding exon 6 of the MEN1 gene, results from a G to T substitution at nucleotide position 1033. The alanine at codon 345 is replaced by serine, an amino acid with similar properties. This amino acid position is conserved. In addition, the in silico prediction for this alteration is inconclusive. Since supporting evidence is limited at this time, the clinical significance of this alteration remains unclear.